The following is an entry in ClinVar:

ClinVar aggregate classification (germline): Conflicting classifications of pathogenicity. Review status: criteria provided, conflicting classifications (1 of 4 stars). 5 submissions from 5 submitters: Uncertain significance (4); Likely benign (1). Last evaluated 2026-01-10.

Conditions:
Cardiovascular phenotype. Identifiers: MedGen CN230736.

Allele frequency attached by ClinVar (database versions not stated): 1000 Genomes Project 30x 0.00016.
gnomAD v4.1: 48 of 1,594,026 alleles (0.003%); highest among the groups gnomAD compares: Middle Eastern, 0.12%; no homozygotes.

Submissions (5):

Labcorp Genetics (formerly Invitae), Labcorp
Classification: Uncertain significance. Last evaluated: 2026-01-10. Review status: criteria provided, single submitter. Criteria: Invitae Variant Classification Sherloc (09022015). Collection method: clinical testing. Allele origin: germline.
Comment: This sequence change replaces aspartic acid, which is acidic and polar, with glutamic acid, which is acidic and polar, at codon 1379 of the ALPK3 protein (p.Asp1379Glu). This variant is present in population databases (rs115438635, gnomAD 0.02%). This variant has not been reported in the literature in individuals affected with ALPK3-related conditions. ClinVar contains an entry for this variant (Variation ID: 1406732). Invitae Evidence Modeling of protein sequence and biophysical properties (such as structural, functional, and spatial information, amino acid conservation, physicochemical variation, residue mobility, and thermodynamic stability) indicates that this missense variant is not expected to disrupt ALPK3 protein function with a negative predictive value of 80%. In summary, the available evidence is currently insufficient to determine the role of this variant in disease. Therefore, it has been classified as a Variant of Uncertain Significance.

Ambry Genetics
Classification: Likely benign for Cardiovascular phenotype. Last evaluated: 2025-03-05. Review status: criteria provided, single submitter. Criteria: Ambry Variant Classification Scheme 2023. Collection method: clinical testing. Allele origin: germline.

GeneDx
Classification: Uncertain significance. Last evaluated: 2024-06-03. Review status: criteria provided, single submitter. Criteria: GeneDx Variant Classification Process June 2021. Collection method: clinical testing. Allele origin: germline.
Comment: Has not been previously published as pathogenic or benign to our knowledge; In silico analysis indicates that this missense variant does not alter protein structure/function

Mayo Clinic Laboratories, Mayo Clinic
Classification: Uncertain significance. Last evaluated: 2024-05-09. Review status: criteria provided, single submitter. Criteria: ACMG Guidelines, 2015. Collection method: clinical testing. Allele origin: germline. Observed: 1 variant allele.
Comment: BP4_strong

Breakthrough Genomics
Classification: Uncertain significance. Review status: criteria provided, single submitter. Criteria: ACMG Guidelines, 2015. Collection method: not provided. Allele origin: germline. Inheritance: Autosomal recessive inheritance. Affected: yes.

NM_020778.5(ALPK3):c.3531C>G (p.Asp1177Glu)

Gene: ALPK3 (alpha kinase 3; plus strand). Cytogenetic location: 15q25.3.
Variant type: single nucleotide variant.
Coding change: c.3531C>G on transcript NM_020778.5 (MANE Select); coding-DNA position 3531, C replaced by G.
Protein change: p.Asp1177Glu; replaces aspartic acid 1177 with glutamic acid.
Molecular consequence: missense variant.
Genome position (GRCh38, 1-based): chr15:84,858,269, C>G. VCF-style: chr15-84858269-C-G. GRCh37 (hg19) VCF-style: chr15-85401500-C-G.
Other names: p.Asp1379Glu; short protein forms D1177E.
Identifiers: ClinVar variation 1406732 (VCV001406732.13), dbSNP rs115438635, ClinGen allele CA7709656.